The following is an entry in ClinVar:

NM_000384.3(APOB):c.2295G>A (p.Leu765=)

Gene: APOB (apolipoprotein B; minus strand). Cytogenetic location: 2p24.1.
Variant type: single nucleotide variant.
Coding change: c.2295G>A on transcript NM_000384.3 (MANE Select); coding-DNA position 2295, G replaced by A.
Protein change: p.Leu765=; no amino-acid change (leucine 765 retained).
Molecular consequence: synonymous variant.
Genome position (GRCh38, 1-based): chr2:21,025,074, C>T on the plus strand (G>A on the coding strand, the complement: APOB is on the minus strand). VCF-style: chr2-21025074-C-T. GRCh37 (hg19) VCF-style: chr2-21247946-C-T.
Identifiers: ClinVar variation 544120 (VCV000544120.28), dbSNP rs72653063, ClinGen allele CA055809.

ClinVar aggregate classification (germline): Conflicting classifications of pathogenicity. Review status: criteria provided, conflicting classifications (1 of 4 stars). 9 submissions from 8 submitters: Uncertain significance (1); Benign (3); Likely benign (5). Last evaluated 2026-09-01.

Conditions:
Cardiovascular phenotype. Identifiers: MedGen CN230736.
Hypercholesterolemia, autosomal dominant, type B (FHCL2). Also called: HYPERCHOLESTEROLEMIA, FAMILIAL, DUE TO LIGAND-DEFECTIVE APOLIPOPROTEIN B; Familial Hypercholesterolemia Type B; Familial hypercholesterolemia 2; APOB-Related Familial Hypercholesterolemia, Autosomal Dominant; Hyperlipoproteinemia Type IIb; APOLIPOPROTEIN B-100, FAMILIAL DEFECTIVE. Identifiers: MedGen C1704417, MONDO:0007751, OMIM 144010.
Familial hypobetalipoproteinemia 1. Also called: APOB-Related Familial Hypobetalipoproteinemia; Hypobetalipoproteinemia, normotriglyceridemic; Acanthocytosis with hypobetalipoproteinemia. Identifiers: MedGen C4551990, MONDO:0014252, OMIM 615558.
Familial hypercholesterolemia. Also called: Familial hypercholesterolaemia; Familial hypercholesterolemias. Identifiers: MedGen C0020445, MONDO:0005439.

Allele frequency attached by ClinVar (database versions not stated): gnomAD exomes 0.00021 and 0.00052; ExAC 0.00066; ESP Exome Variant Server 0.00177; 1000 Genomes Project 0.00200; 1000 Genomes Project 30x 0.00203; gnomAD 0.00214 and 0.00235; TOPMed 0.00260.
gnomAD v4.1: 638 of 1,614,232 alleles (0.04%); highest among the groups gnomAD compares: African/African-American, 0.77%; 2 homozygotes.

Submissions (9):

CeGaT Center for Human Genetics Tuebingen
Classification: Likely benign. Last evaluated: 2026-09-01. Review status: criteria provided, single submitter. Criteria: CeGaT Center For Human Genetics Tuebingen Variant Classification Criteria Version 2. Collection method: clinical testing. Allele origin: germline. Affected: yes. Observed: 1 variant allele.
Comment: APOB: BP4

Labcorp Genetics (formerly Invitae), Labcorp
Classification: Benign for Familial hypobetalipoproteinemia 1; Hypercholesterolemia, autosomal dominant, type B. Last evaluated: 2026-01-28. Review status: criteria provided, single submitter. Criteria: Invitae Variant Classification Sherloc (09022015). Collection method: clinical testing. Allele origin: germline.

GENinCode PLC
Classification: Benign for Familial hypercholesterolemia. Last evaluated: 2024-10-27. Review status: criteria provided, single submitter. Criteria: ACMG Guidelines, 2015. Collection method: clinical testing. Allele origin: germline.
Comment: BA1

Blueprint Genetics
Classification: Likely benign. Last evaluated: 2024-07-15. Review status: criteria provided, single submitter. Criteria: ACMG Guidelines, 2015. Collection method: clinical testing. Allele origin: germline.

Quest Diagnostics Nichols Institute San Juan Capistrano
Classification: Benign. Last evaluated: 2023-04-19. Review status: criteria provided, single submitter. Criteria: Quest Diagnostics criteria. Collection method: clinical testing. Allele origin: unknown.

GeneDx
Classification: Likely benign. Last evaluated: 2019-01-08. Review status: criteria provided, single submitter. Criteria: GeneDx Variant Classification Process June 2021. Collection method: clinical testing. Allele origin: germline. Affected: yes.
Comment: This variant is associated with the following publications: (PMID: 30270084)

Ambry Genetics
Classification: Likely benign for Cardiovascular phenotype. Last evaluated: 2018-08-07. Review status: criteria provided, single submitter. Criteria: Ambry Variant Classification Scheme 2023. Collection method: clinical testing. Allele origin: germline.

Illumina Laboratory Services, Illumina
Classification: Uncertain significance for Familial hypobetalipoproteinemia 1. Last evaluated: 2018-01-12. Review status: criteria provided, single submitter. Criteria: ICSL Variant Classification Criteria 13 December 2019. Collection method: clinical testing. Allele origin: germline.

Illumina Laboratory Services, Illumina
Classification: Likely benign for Hypercholesterolemia, autosomal dominant, type B. Last evaluated: 2018-01-12. Review status: criteria provided, single submitter. Criteria: ICSL Variant Classification Criteria 13 December 2019. Collection method: clinical testing. Allele origin: germline.
Comment: This variant was observed in the ICSL laboratory as part of a predisposition screen in an ostensibly healthy population. It had not been previously curated by ICSL or reported in the Human Gene Mutation Database (HGMD: prior to June 1st, 2018), and was therefore a candidate for classification through an automated scoring system. Utilizing variant allele frequency, disease prevalence and penetrance estimates, and inheritance mode, an automated score was calculated to assess if this variant is too frequent to cause the disease. Based on the score and internal cut-off values, a variant classified as likely benign is not then subjected to further curation. The score for this variant resulted in a classification of likely benign for this disease.

Literature cited by the submitters: PubMed 30270084 (cited by Quest Diagnostics Nichols Institute San Juan Capistrano).